The following is an entry in ClinVar:

NM_016653.3(MAP3K20):c.1061A>G (p.Lys354Arg)

Genes: MAP3K20 (mitogen-activated protein kinase kinase kinase 20; plus strand), MAP3K20-AS1 (MAP3K20 antisense RNA 1; minus strand). Cytogenetic location: 2q31.1.
Variant type: single nucleotide variant.
Coding change: c.1061A>G on transcript NM_016653.3 (MANE Select); coding-DNA position 1061, A replaced by G.
Protein change: p.Lys354Arg; replaces lysine 354 with arginine.
Molecular consequence: missense variant.
Genome position (GRCh38, 1-based): chr2:173,232,220, A>G. VCF-style: chr2-173232220-A-G. GRCh37 (hg19) VCF-style: chr2-174096948-A-G.
Other names: short protein forms K354R.
Identifiers: ClinVar variation 1927160 (VCV001927160.5), dbSNP rs1684538419, ClinGen allele CA349315428.

ClinVar aggregate classification (germline): Uncertain significance (1 of 4 stars; one submission).

Submission:

Labcorp Genetics (formerly Invitae), Labcorp
Classification: Uncertain significance. Last evaluated: 2022-05-29. Review status: criteria provided, single submitter. Criteria: Invitae Variant Classification Sherloc (09022015). Collection method: clinical testing. Allele origin: germline.
Comment: In summary, the available evidence is currently insufficient to determine the role of this variant in disease. Therefore, it has been classified as a Variant of Uncertain Significance. This sequence change replaces lysine, which is basic and polar, with arginine, which is basic and polar, at codon 354 of the MAP3K20 protein (p.Lys354Arg). This variant is not present in population databases (gnomAD no frequency). This variant has not been reported in the literature in individuals affected with MAP3K20-related conditions. Experimental studies and prediction algorithms are not available or were not evaluated, and the functional significance of this variant is currently unknown.